The following is an entry in ClinVar:

ClinVar aggregate classification (germline): Pathogenic/Likely pathogenic. Review status: criteria provided, multiple submitters, no conflicts (2 of 4 stars). 11 submissions from 11 submitters: Pathogenic (7); Likely pathogenic (2). 2 of the submissions do not count toward it. Last evaluated 2025-05-19.

Conditions:
Hereditary cancer-predisposing syndrome. Also called: Hereditary Cancer Syndrome; Hereditary neoplastic syndrome; Neoplastic Syndromes, Hereditary; Tumor predisposition. Identifiers: Orphanet 140162, MedGen C0027672, MeSH D009386, MONDO:0015356.
Ovarian cancer. Also called: OVARIAN CANCER, SOMATIC. Identifiers: Orphanet 213500, MedGen C1140680, MONDO:0008170, OMIM 167000.
Breast-ovarian cancer, familial, susceptibility to, 1 (BROVCA1). Also called: BRCA1 Hereditary Breast and Ovarian Cancer; OVARIAN CANCER, SUSCEPTIBILITY TO. Identifiers: Orphanet 145, MedGen C2676676, MONDO:0011450, OMIM 604370. Disease mechanism: loss of function.
Hereditary breast ovarian cancer syndrome. Also called: BRCA1- and BRCA2-Associated Hereditary Breast and Ovarian Cancer; Hereditary breast and ovarian cancer syndrome; Hereditary breast and ovarian cancer syndrome (HBOC); Breast and ovarian cancer; Hereditary breast and/or ovarian cancer syndrome; Hereditary breast and ovarian cancer. Identifiers: Orphanet 145, MedGen C0677776, MeSH D061325, MONDO:0003582. Disease mechanism: loss of function.

Submissions 1 to 7 of 12:

Labcorp Genetics (formerly Invitae), Labcorp
Classification: Pathogenic for Hereditary breast ovarian cancer syndrome. Last evaluated: 2025-05-19. Review status: criteria provided, single submitter. Criteria: Invitae Variant Classification Sherloc (09022015). Collection method: clinical testing. Allele origin: germline.
Comment: This sequence change falls in intron 17 of the BRCA1 gene. It does not directly change the encoded amino acid sequence of the BRCA1 protein. RNA analysis indicates that this variant induces altered splicing and likely results in a shortened protein product. This variant is not present in population databases (gnomAD no frequency). This variant has been observed in individual(s) with breast and/or ovarian cancer (PMID: 12955716, 12955719, 23479189, 29470806). ClinVar contains an entry for this variant (Variation ID: 55427). Variants that disrupt the consensus splice site are a relatively common cause of aberrant splicing (PMID: 17576681, 9536098). Studies have shown that this variant results in skipping of exon 17, but is expected to preserve the integrity of the reading-frame (PMID: 12955719, 30209399). This variant disrupts a region of the BRCA1 protein in which other variant(s) (p.Ser1715Asn) have been determined to be pathogenic (PMID: 10508480, 11157798, 20516115, 22856468, 28781887, 30209399, 30765603). This suggests that this is a clinically significant region of the protein, and that variants that disrupt it are likely to be disease-causing. For these reasons, this variant has been classified as Pathogenic.

Molecular Diagnostics Laboratory, Catalan Institute of Oncology
Classification: Likely pathogenic for Hereditary cancer-predisposing syndrome. Last evaluated: 2024-09-01. Review status: criteria provided, single submitter. Criteria: ClinGen BRCA1BRCA2 ACMG Specifications BRCA1 V1.0.0. Collection method: clinical testing. Allele origin: germline.
Comment: PVS1_Moderate (RNA), PS3, PM2_Supporting BRCA1:c.5152+5G>A is an intronic variant located close to a canonical splice site.An RNA study performed with carrier blood RNA showed skipping of exon 18 (r.5075_5152del)(PMID:13955719), which is predicted to remove 27 aminoacids in a region critical for protein function (PVS1_Moderate). It is not present in the population database gnomAD v2.1.1 (non-cancer, exome only subset) (PM2_Supporting). The SpliceAI algorithm predicts that the variant impairs the splicing donor site (deltascore: 0.89). In addition, in a clinically calibrated saturation genome editing (SGE) assay, resulted as loss of function variant(PMID: 30209399)(PS3). Moreover, the variant cosegregates with the disease (2 meisosis in 2 families from our internal cohort of patients). In addition, the variant has been identified in the ClinVar (7x pathogenic; 2x likely pathogenic; 1 uncertain significance), LOVD (3x pathogenic; 1x likely pathogenic; 1x uncertain significance; 1x NA) and BRCA Exchange (not yet reviewed) databases. A variant within the same donor motif (with stronger predicition of pathogenicity) has been previously classified as pathogenic. Based on currently available information, the variant c.5152+5G>A should be considered a likely pathogenic variant.

Institute of Medical Genetics and Applied Genomics, University Hospital Tübingen
Classification: Pathogenic for Ovarian cancer. Last evaluated: 2023-07-11. Review status: criteria provided, single submitter. Criteria: ACMG Guidelines, 2015. Collection method: clinical testing. Allele origin: germline. Inheritance: Autosomal dominant inheritance. Affected: yes.

GeneDx
Classification: Pathogenic. Last evaluated: 2023-03-15. Review status: criteria provided, single submitter. Criteria: GeneDx Variant Classification Process June 2021. Collection method: clinical testing. Allele origin: germline. Affected: yes.
Comment: Published functional studies demonstrate a damaging effect: classified as non-functional based on a saturation genome editing (SGE) assay measuring cell survival (Findlay et al., 2018); Intronic +5 splice site variant in a gene for which loss of function is a known mechanism of disease, and both splice predictors and evolutionary conservation support a deleterious effect; RNA studies suggest that this variant leads to r.5194_5271del and skipping of exon 18 (Campos et al., 2003); Not observed at significant frequency in large population cohorts (gnomAD); Also known as IVS18+5G>A; 5271+5G>A; This variant is associated with the following publications: (PMID: 30702160, 31589614, 25525159, 11301010, 9974970, 9738006, 10196224, 9811458, 24389207, 10220405, 25348405, 12955719, 30209399, 35220195, 12955716, 23479189, 29470806, 28176296, 33630411, 31825140)

Quest Diagnostics Nichols Institute San Juan Capistrano
Classification: Pathogenic. Last evaluated: 2023-01-27. Review status: criteria provided, single submitter. Criteria: Quest Diagnostics criteria. Collection method: clinical testing. Allele origin: unknown.
Comment: This variant has not been reported in large, multi-ethnic general populations. In the published literature, the variant has been reported in individuals with a personal and/or family history of breast and/or ovarian cancer (PMIDs: 35220195 (2022), 30702160 (2019), 29470806 (2018), 28176296 (2017), 23479189 (2013), 22762150 (2012), 12955716 (2003)). Saturation genome editing reports the variant causes loss of BRCA1 function (PMID: 30209399 (2018)). Analysis of this variant using software algorithms for the prediction of the effect of nucleotide changes on splicing yielded predictions that this variant may affect proper BRCA1 mRNA splicing. The variant's impact on splicing is additionally supported in the published literature (PMIDs: 25525159 (2015), 12955719 (2003)). Based on the available information, this variant is classified as pathogenic.

Ambry Genetics
Classification: Pathogenic for Hereditary cancer-predisposing syndrome. Last evaluated: 2022-11-17. Review status: criteria provided, single submitter. Criteria: Ambry Variant Classification Scheme 2023. Collection method: clinical testing. Allele origin: germline.
Comment: The c.5152+5G>A intronic pathogenic mutation results from a G to A substitution 5 nucleotides after coding exon 16 in the BRCA1 gene. This nucleotide position is highly conserved in available vertebrate species. This variant is sometimes referred to as IVS18+5G>A in the literature. This alteration has been observed in breast and ovarian cancer cohorts (Singh J et al. Breast Cancer Res Treat, 2018 Jul;170:189-196; Shi T et al. Int J Cancer, 2017 05;140:2051-2059). In silico splice site analysis predicts that this alteration will weaken the native splice donor site. RNA studies have shown this alteration to cause coding exon 16 (total exon 18) skipping (Ambry internal data; Campos B et al. Hum Mutat, 2003 Oct;22:337; Rodr&iacute;guez-Balada M et al. Cancer Genet, 2016 Nov;209:487-492). Another alteration impacting the same donor site (c.5152+1G>C) has been shown to have a similar impact on splicing (Ambry internal data; Wappenschmidt B et al. PLoS One 2012 Dec;7(12):e50800.). One functional study found that this nucleotide substitution is non-functional in a high-throughput, genome editing, haploid cell survival assay (Findlay, GM et al. Nature 2018 10;562(7726):217-222). This variant is considered to be rare based on population cohorts in the Genome Aggregation Database (gnomAD). Based on the supporting evidence, this alteration is interpreted as a disease-causing mutation.

Color Diagnostics, LLC DBA Color Health
Classification: Likely pathogenic for Hereditary cancer-predisposing syndrome. Last evaluated: 2020-01-28. Review status: criteria provided, single submitter. Criteria: ACMG Guidelines, 2015. Collection method: clinical testing. Allele origin: germline.
Comment: This variant causes a G>A nucleotide substitution at the +5 position of intron 17 of the BRCA1 gene. Splice site prediction tools predict that this variant may have a significant impact on RNA splicing. RNA studies have reported that this variant causes the skipping of exon 17 (exon 18 in BIC nomenclature) and the in-frame deletion of 26 amino acids in the BRCT domain (PMID: 12955719, 27886673). A different nucleotide substitution at the +5 position was also shown to cause the skipping of exon 17 (PMID: 31642931). This variant has been reported to be loss-of-function in a haploid cell proliferation assay (PMID: 30209399). The skipped exon contains pathogenic missense variants reported in ClinVar that suggests the encoded protein amino acids are important for protein function (ClinVar variation ID: 55396, 55407, 37638, 55418, 55416, 55414, 55413, 55399, 55392). This variant has been reported in multiple families affected with breast and/or ovarian cancer (PMID: 23479189, 12955719, 27886673) and an individual affected with ovarian cancer (PMID: 28176296). This variant has not been identified in the general population by the Genome Aggregation Database (gnomAD). Loss of BRCA1 function is a known mechanism of disease. Based on the available evidence, this variant is classified as Likely Pathogenic.

NM_007294.4(BRCA1):c.5152+5G>A

Gene: BRCA1 (BRCA1 DNA repair associated; minus strand). Cytogenetic location: 17q21.31.
Variant type: single nucleotide variant.
Coding change: c.5152+5G>A on transcript NM_007294.4 (MANE Select); 5 bases into the intron after coding-DNA position 5152, G replaced by A.
Molecular consequence: intron variant.
Genome position (GRCh38, 1-based): chr17:43,063,869, C>T on the plus strand (G>A on the coding strand, the complement: BRCA1 is on the minus strand). VCF-style: chr17-43063869-C-T. GRCh37 (hg19) VCF-style: chr17-41215886-C-T.
Other names: IVS18+5G>A; c.1699+5G>A (NM_001408458.1, NM_001408461.1, NM_001408464.1 and 7 more transcripts); c.4261+5G>A (NM_001407967.1); c.4771+5G>A (NM_001407959.1); c.4885+5G>A (NM_001407931.1, NM_001407932.1, NM_001407928.1 and 4 more transcripts); c.5008+5G>A (NM_001407747.1, NM_001407745.1, NM_001407737.1 and 21 more transcripts); c.4768+5G>A (NM_001407962.1, NM_001407960.1); c.1339+5G>A (NM_001408512.1); and 74 more.
Identifiers: ClinVar variation 55427 (VCV000055427.23), dbSNP rs80358165, ClinGen allele CA003288.